The following is an entry in ClinVar:

NM_000133.4(F9):c.478G>A (p.Gly160Arg)

Gene: F9 (coagulation factor IX; plus strand). Cytogenetic location: Xq27.1.
Variant type: single nucleotide variant.
Coding change: c.478G>A on transcript NM_000133.4 (MANE Select); coding-DNA position 478, G replaced by A.
Protein change: p.Gly160Arg; replaces glycine 160 with arginine.
Molecular consequence: missense variant.
Genome position (GRCh38, 1-based): chrX:139,548,449, G>A. VCF-style: chrX-139548449-G-A. GRCh37 (hg19) VCF-style: chrX-138630608-G-A.
Other names: c.364G>A, p.Gly122Arg (NM_001313913.2); short protein forms G160R, G122R.
Identifiers: ClinVar variation 2138738 (VCV002138738.4), dbSNP rs1927768022, ClinGen allele CA414439219.
Genomic context (GRCh38, chrX:139,548,449, plus strand): 5'-AGATGCGAGCAGTTTTGTAAAAATAGTGCTGATAACAAGGTGGTTTGCTCCTGTACTGAG[G>A]GATATCGACTTGCAGAAAACCAGAAGTCCTGTGAACCAGCAGGTCATAATCTGAATAAGA-3'
Protein context (NP_000124.1, residues 150-170): DNKVVCSCTE[Gly160Arg]YRLAENQKSC

ClinVar aggregate classification (germline): Pathogenic (1 of 4 stars; one submission).

Conditions:
Thrombophilia, X-linked, due to factor 9 defect. Identifiers: MedGen C2749016, MONDO:0010432, OMIM 300807.
Hereditary factor IX deficiency disease (HEMB). Also called: Christmas Disease; F9 DEFICIENCY; FACTOR IX DEFICIENCY; PLASMA THROMBOPLASTIN COMPONENT DEFICIENCY; Hemophilia B. Identifiers: Orphanet 98879, MedGen C0008533, MeSH D002836, MONDO:0010604, OMIM 306900.

Submission:

Labcorp Genetics (formerly Invitae), Labcorp
Classification: Pathogenic for Thrombophilia, X-linked, due to factor 9 defect; Hereditary factor IX deficiency disease. Last evaluated: 2022-02-25. Review status: criteria provided, single submitter. Criteria: Invitae Variant Classification Sherloc (09022015). Collection method: clinical testing. Allele origin: germline.
Comment: For these reasons, this variant has been classified as Pathogenic. Advanced modeling of protein sequence and biophysical properties (such as structural, functional, and spatial information, amino acid conservation, physicochemical variation, residue mobility, and thermodynamic stability) performed at Invitae indicates that this missense variant is expected to disrupt F9 protein function. This variant is also known as G17755A. This missense change has been observed in individuals with hemophilia B (PMID: 23998594; Invitae). This variant is not present in population databases (gnomAD no frequency). This sequence change replaces glycine, which is neutral and non-polar, with arginine, which is basic and polar, at codon 160 of the F9 protein (p.Gly160Arg).

Literature cited by the submitters: PubMed 23998594.